The following is an entry in ClinVar:

NM_001370595.2(COA8):c.322-7_322-4dup

Gene: COA8 (cytochrome c oxidase assembly factor 8; plus strand). Cytogenetic location: 14q32.33.
Variant type: Duplication.
Coding change: c.322-7_322-4dup on transcript NM_001370595.2 (MANE Select); 7 bases into the intron before coding-DNA position 322 through 4 bases into the intron before coding-DNA position 322, 4 bases duplicated (TTTT; older notation c.322-7_322-4dupTTTT).
Molecular consequence: intron variant.
Genome position (GRCh38, 1-based): chr14:103,574,100-103,574,103, TTTT duplicated; duplicating any 4 consecutive bases within chr14:103,574,079-103,574,103 gives the same sequence; the c. name uses the placement nearest the transcript's 3' end. VCF-style (leftmost placement, unchanged base first): chr14-103574078-C-CTTTT. GRCh37 (hg19) VCF-style: chr14-104040415-C-CTTTT.
Other names: c.361-7_361-4dupTTTT (NM_032374.4); c.322-7_322-4dup (NM_001302653.2, NM_001302654.2).
Identifiers: ClinVar variation 3035659 (VCV003035659.2), dbSNP rs11337243, ClinGen allele CA488033010.
Genomic context (GRCh38, chr14:103,574,078, plus strand): 5'-ACCGTGAGCTGTGCTCTAGCCAAAGAAAAATGGAAAGACAGAGAAAGGAGTTCTGAGAGC[C>CTTTT]TTTTTTTTTTTTTTTTTTTTTTTTTAAGGAAAAAGAAGAATTTATTCACTCAAGACTAAA-3'

ClinVar aggregate classification (germline): Likely benign (0 of 4 stars; one submission).

Conditions:
COA8-related disorder. Also called: COA8-related condition.

Submission:

PreventionGenetics, part of Exact Sciences
Classification: Likely benign for COA8-related condition. Last evaluated: 2019-08-13. Review status: no assertion criteria provided. Collection method: clinical testing. Allele origin: germline.
Comment: This variant is classified as likely benign based on ACMG/AMP sequence variant interpretation guidelines (Richards et al. 2015 PMID: 25741868, with internal and published modifications).